The following is an entry in ClinVar:

NM_022167.4(XYLT2):c.1271G>A (p.Arg424His)

Gene: XYLT2 (xylosyltransferase 2; plus strand). Cytogenetic location: 17q21.33.
Variant type: single nucleotide variant.
Coding change: c.1271G>A on transcript NM_022167.4 (MANE Select); coding-DNA position 1271, G replaced by A.
Protein change: p.Arg424His; replaces arginine 424 with histidine.
Molecular consequence: missense variant.
Genome position (GRCh38, 1-based): chr17:50,355,963, G>A. VCF-style: chr17-50355963-G-A. GRCh37 (hg19) VCF-style: chr17-48433324-G-A.
Other names: short protein forms R424H.
Identifiers: ClinVar variation 1981009 (VCV001981009.4), dbSNP rs141143630, ClinGen allele CA8646409.

ClinVar aggregate classification (germline): Uncertain significance. Review status: criteria provided, multiple submitters, no conflicts (2 of 4 stars). 2 submissions from 2 submitters: Uncertain significance (2). Last evaluated 2023-07-07.

Conditions:
Inborn genetic diseases. Identifiers: MedGen C0950123, MeSH D030342.

Allele frequency attached by ClinVar (database versions not stated): gnomAD exomes 0.00001; gnomAD 0.00013; ESP Exome Variant Server 0.00023; ExAC 0.00003; TOPMed 0.00019.
gnomAD v4.1: 36 of 1,614,000 alleles (0.0022%); highest among the groups gnomAD compares: African/African-American, 0.035%; no homozygotes.

Submissions (2):

Labcorp Genetics (formerly Invitae), Labcorp
Classification: Uncertain significance. Last evaluated: 2023-07-07. Review status: criteria provided, single submitter. Criteria: Invitae Variant Classification Sherloc (09022015). Collection method: clinical testing. Allele origin: germline.
Comment: In summary, the available evidence is currently insufficient to determine the role of this variant in disease. Therefore, it has been classified as a Variant of Uncertain Significance. Advanced modeling of protein sequence and biophysical properties (such as structural, functional, and spatial information, amino acid conservation, physicochemical variation, residue mobility, and thermodynamic stability) performed at Invitae indicates that this missense variant is not expected to disrupt XYLT2 protein function. ClinVar contains an entry for this variant (Variation ID: 1981009). This variant has not been reported in the literature in individuals affected with XYLT2-related conditions. This variant is present in population databases (rs141143630, gnomAD 0.03%). This sequence change replaces arginine, which is basic and polar, with histidine, which is basic and polar, at codon 424 of the XYLT2 protein (p.Arg424His).

Ambry Genetics
Classification: Uncertain significance for Inborn genetic diseases. Last evaluated: 2022-12-14. Review status: criteria provided, single submitter. Criteria: Ambry Variant Classification Scheme 2023. Collection method: clinical testing. Allele origin: germline.